The following is an entry in ClinVar:

ClinVar aggregate classification (germline): Uncertain significance. Review status: criteria provided, single submitter (1 of 4 stars). 3 submissions from 3 submitters: Uncertain significance (1). 2 of the submissions do not count toward it. Last evaluated 2025-01-08.

Conditions:
Immunodeficiency 28 (IMD28). Also called: IFNGR2 DEFICIENCY. Identifiers: Orphanet 319547, Orphanet 319574, MedGen C4013947, MONDO:0013953, OMIM 614889.

Allele frequency attached by ClinVar (database versions not stated): ExAC 0.00002; gnomAD 0.00003; TOPMed 0.00003.

Submissions (3):

Labcorp Genetics (formerly Invitae), Labcorp
Classification: Uncertain significance for Immunodeficiency 28. Last evaluated: 2025-01-08. Review status: criteria provided, single submitter. Criteria: Invitae Variant Classification Sherloc (09022015). Collection method: clinical testing. Allele origin: germline.
Comment: This sequence change replaces valine, which is neutral and non-polar, with methionine, which is neutral and non-polar, at codon 148 of the IFNGR2 protein (p.Val148Met). This variant is present in population databases (rs766274599, gnomAD 0.006%). This variant has not been reported in the literature in individuals affected with IFNGR2-related conditions. ClinVar contains an entry for this variant (Variation ID: 1328212). Invitae Evidence Modeling of protein sequence and biophysical properties (such as structural, functional, and spatial information, amino acid conservation, physicochemical variation, residue mobility, and thermodynamic stability) indicates that this missense variant is expected to disrupt IFNGR2 protein function with a positive predictive value of 80%. In summary, the available evidence is currently insufficient to determine the role of this variant in disease. Therefore, it has been classified as a Variant of Uncertain Significance.

Clinical Genetics DNA and cytogenetics Diagnostics Lab, Erasmus MC, Erasmus Medical Center
Classification: Uncertain significance. Review status: no assertion criteria provided. Collection method: clinical testing. Allele origin: germline. Affected: yes. Study: VKGL Data-share Consensus. Not counted in ClinVar's aggregate classification.

Diagnostic Laboratory, Department of Genetics, University Medical Center Groningen
Classification: Uncertain significance. Review status: no assertion criteria provided. Collection method: clinical testing. Allele origin: germline. Affected: yes. Study: VKGL Data-share Consensus. Not counted in ClinVar's aggregate classification.

NM_005534.4(IFNGR2):c.442G>A (p.Val148Met)

Gene: IFNGR2 (interferon gamma receptor 2; plus strand). Cytogenetic location: 21q22.11.
Variant type: single nucleotide variant.
Coding change: c.442G>A on transcript NM_005534.4 (MANE Select); coding-DNA position 442, G replaced by A.
Protein change: p.Val148Met; replaces valine 148 with methionine.
Molecular consequence: missense variant.
Genome position (GRCh38, 1-based): chr21:33,426,913, G>A. VCF-style: chr21-33426913-G-A. GRCh37 (hg19) VCF-style: chr21-34799220-G-A.
Other names: c.499G>A, p.Val167Met (NM_001329128.2); short protein forms V148M, V167M.
Identifiers: ClinVar variation 1328212 (VCV001328212.7), dbSNP rs766274599, ClinGen allele CA10006946.